The following is an entry in ClinVar:

NC_012920.1(MT-ND5):m.14022A>G

Gene: MT-ND5 (mitochondrially encoded NADH dehydrogenase 5; plus strand).
Variant type: single nucleotide variant.
Genome position: chrM-14022-A-G.
Identifiers: ClinVar variation 235717 (VCV000235717.3), dbSNP rs878853101, ClinGen allele CA10581411.
Genomic context (GRCh38, chrMT:14,022, plus strand): 5'-TCTTACGAGCCAAAACCTGCCCCTACTCCTCCTAGACCTAACCTGACTAGAAAAGCTATT[A>G]CCTAAAACAATTTCACAGCACCAAATCTCCACCTCCATCATCACCTCAACCCAAAAAGGC-3'

ClinVar aggregate classification (germline): Likely benign (1 of 4 stars; one submission).

Submission:

Center for Pediatric Genomic Medicine, Children's Mercy Hospital and Clinics
Classification: Likely benign. Last evaluated: 2015-06-02. Review status: criteria provided, single submitter. Criteria: ACMG Guidelines, 2015. Collection method: clinical testing. Allele origin: germline.
ClinVar note: Converted during submission from Likely Benign to Likely benign.